The following is an entry in ClinVar:

NM_138691.3(TMC1):c.777T>C (p.Tyr259=)

Gene: TMC1 (transmembrane channel like 1; plus strand). Cytogenetic location: 9q21.13.
Variant type: single nucleotide variant.
Coding change: c.777T>C on transcript NM_138691.3 (MANE Select); coding-DNA position 777, T replaced by C.
Protein change: p.Tyr259=; no amino-acid change (tyrosine 259 retained).
Molecular consequence: synonymous variant.
Genome position (GRCh38, 1-based): chr9:72,772,448, T>C. VCF-style: chr9-72772448-T-C. GRCh37 (hg19) VCF-style: chr9-75387364-T-C.
Identifiers: ClinVar variation 165431 (VCV000165431.8), dbSNP rs727503482, ClinGen allele CA178205.

ClinVar aggregate classification (germline): Likely benign. Review status: criteria provided, multiple submitters, no conflicts (2 of 4 stars). 2 submissions from 2 submitters: Likely benign (2). Last evaluated 2023-12-01.

Allele frequency attached by ClinVar (database versions not stated): gnomAD exomes 0.00001 and 0.00002; gnomAD 0.00002 and 0.00003; TOPMed 0.00002.
gnomAD v4.1: 27 of 1,613,842 alleles (0.0017%); highest among the groups gnomAD compares: Middle Eastern, 0.016%; no homozygotes.

Submissions (2):

Labcorp Genetics (formerly Invitae), Labcorp
Classification: Likely benign. Last evaluated: 2023-12-01. Review status: criteria provided, single submitter. Criteria: Invitae Variant Classification Sherloc (09022015). Collection method: clinical testing. Allele origin: germline.

Laboratory for Molecular Medicine, Mass General Brigham Personalized Medicine
Classification: Likely benign. Last evaluated: 2013-04-05. Review status: criteria provided, single submitter. Criteria: LMM Criteria. Collection method: clinical testing. Allele origin: germline. Observed: 1 variant allele.
Comment: The Tyr259Tyr in exon 13 of TMC1: This variant is not expected to have clinical significance because it does not alter an amino acid residue and is not located within the splice consensus sequence.